The following is an entry in ClinVar:

NM_000432.4(MYL2):c.460A>G (p.Asn154Asp)

Gene: MYL2 (myosin light chain 2; minus strand). Cytogenetic location: 12q24.11.
Variant type: single nucleotide variant.
Coding change: c.460A>G on transcript NM_000432.4 (MANE Select); coding-DNA position 460, A replaced by G.
Protein change: p.Asn154Asp; replaces asparagine 154 with aspartic acid.
Molecular consequence: missense variant.
Genome position (GRCh38, 1-based): chr12:110,911,118, T>C on the plus strand (A>G on the coding strand, the complement: MYL2 is on the minus strand). VCF-style: chr12-110911118-T-C. GRCh37 (hg19) VCF-style: chr12-111348922-T-C.
Other names: c.418A>G, p.Asn140Asp (NM_001406745.1); c.403A>G, p.Asn135Asp (NM_001406916.1); short protein forms N135D, N140D, N154D.
Identifiers: ClinVar variation 4804683 (VCV004804683.1).
Genomic context (GRCh38, chr12:110,911,118, plus strand): 5'-CGCAGCAGCGAGCCCCCTCCTAGTCCTTCTCTTCTCCGTGGGTGATGATGTGCACCAGGT[T>C]CTTGTAGTCCAAGTTGCCAGTCACGTCAGGGGGGAAGGCGGCGAACATCTGGTCAACCTG-3'
Protein context (NP_000423.2, residues 144-164): PDVTGNLDYK[Asn154Asp]LVHIITHGEE

ClinVar aggregate classification (germline): Uncertain significance (1 of 4 stars; one submission).

Conditions:
Hypertrophic cardiomyopathy 10. Also called: MYL2-Related Familial Hypertrophic Cardiomyopathy; CARDIOMYOPATHY, HYPERTROPHIC, MID-LEFT VENTRICULAR CHAMBER TYPE, 2. Identifiers: MedGen C1834460, MONDO:0012112, OMIM 608758.

Submission:

Labcorp Genetics (formerly Invitae), Labcorp
Classification: Uncertain significance for Hypertrophic cardiomyopathy 10. Last evaluated: 2025-06-06. Review status: criteria provided, single submitter. Criteria: Invitae Variant Classification Sherloc (09022015). Collection method: clinical testing. Allele origin: germline.
Comment: This sequence change replaces asparagine, which is neutral and polar, with aspartic acid, which is acidic and polar, at codon 154 of the MYL2 protein (p.Asn154Asp). This variant is not present in population databases (gnomAD no frequency). This variant has not been reported in the literature in individuals affected with MYL2-related conditions. An algorithm developed to predict the effect of missense changes on protein structure and function (PolyPhen-2) suggests that this variant is likely to be disruptive. In summary, the available evidence is currently insufficient to determine the role of this variant in disease. Therefore, it has been classified as a Variant of Uncertain Significance.